The following is an entry in ClinVar:

NM_013336.4(SEC61A1):c.1260C>T (p.Ala420=)

Genes: RUVBL1 (RuvB like AAA ATPase 1; minus strand), SEC61A1 (SEC61 translocon subunit alpha 1; plus strand). Cytogenetic location: 3q21.3.
Variant type: single nucleotide variant.
Coding change: c.1260C>T on transcript NM_013336.4 (MANE Select); coding-DNA position 1260, C replaced by T.
Protein change: p.Ala420=; no amino-acid change (alanine 420 retained).
Molecular consequence: synonymous variant. On other transcripts: intron variant (1).
Genome position (GRCh38, 1-based): chr3:128,069,491, C>T. VCF-style: chr3-128069491-C-T. GRCh37 (hg19) VCF-style: chr3-127788334-C-T.
Other names: p.Ala420=; c.1278C>T, p.Ala426= (NM_001400328.1); c.1101C>T, p.Ala367= (NM_001400329.1); c.940-4271G>A (NM_001319086.1).
Identifiers: ClinVar variation 2189539 (VCV002189539.3), dbSNP rs759770429, ClinGen allele CA2598625.

ClinVar aggregate classification (germline): Likely benign. Review status: criteria provided, multiple submitters, no conflicts (2 of 4 stars). 2 submissions from 2 submitters: Likely benign (2). Last evaluated 2025-08-12.

Allele frequency attached by ClinVar (database versions not stated): gnomAD 0.00004; ExAC 0.00001.
gnomAD v4.1: 36 of 1,611,970 alleles (0.0022%); highest among the groups gnomAD compares: Non-Finnish European, 0.0018%; no homozygotes.

Submissions (2):

Mayo Clinic Laboratories, Mayo Clinic
Classification: Likely benign. Last evaluated: 2025-08-12. Review status: criteria provided, single submitter. Criteria: ACMG Guidelines, 2015. Collection method: clinical testing. Allele origin: germline. Observed: 1 variant allele.
Comment: BP4, BP7

Labcorp Genetics (formerly Invitae), Labcorp
Classification: Likely benign. Last evaluated: 2024-05-23. Review status: criteria provided, single submitter. Criteria: Invitae Variant Classification Sherloc (09022015). Collection method: clinical testing. Allele origin: germline.